The following is an entry in ClinVar:

NM_030957.4(ADAMTS10):c.802A>C (p.Met268Leu)

Gene: ADAMTS10 (ADAM metallopeptidase with thrombospondin type 1 motif 10; minus strand). Cytogenetic location: 19p13.2.
Variant type: single nucleotide variant.
Coding change: c.802A>C on transcript NM_030957.4 (MANE Select); coding-DNA position 802, A replaced by C.
Protein change: p.Met268Leu; replaces methionine 268 with leucine.
Molecular consequence: missense variant.
Genome position (GRCh38, 1-based): chr19:8,600,936, T>G on the plus strand (A>C on the coding strand, the complement: ADAMTS10 is on the minus strand). VCF-style: chr19-8600936-T-G. GRCh37 (hg19) VCF-style: chr19-8665820-T-G.
Other names: short protein forms M268L.
Identifiers: ClinVar variation 1970237 (VCV001970237.5), dbSNP rs1027263770, ClinGen allele CA403756446.

ClinVar aggregate classification (germline): Uncertain significance (1 of 4 stars; one submission).

Submission:

Labcorp Genetics (formerly Invitae), Labcorp
Classification: Uncertain significance. Last evaluated: 2024-11-05. Review status: criteria provided, single submitter. Criteria: Invitae Variant Classification Sherloc (09022015). Collection method: clinical testing. Allele origin: germline.
Comment: This sequence change replaces methionine, which is neutral and non-polar, with leucine, which is neutral and non-polar, at codon 268 of the ADAMTS10 protein (p.Met268Leu). This variant is not present in population databases (gnomAD no frequency). This variant has not been reported in the literature in individuals affected with ADAMTS10-related conditions. ClinVar contains an entry for this variant (Variation ID: 1970237). An algorithm developed to predict the effect of missense changes on protein structure and function (PolyPhen-2) suggests that this variant is likely to be tolerated. In summary, the available evidence is currently insufficient to determine the role of this variant in disease. Therefore, it has been classified as a Variant of Uncertain Significance.